The following is an entry in ClinVar:

NM_000228.3(LAMB3):c.1886G>A (p.Ser629Asn)

Gene: LAMB3 (laminin subunit beta 3; minus strand). Cytogenetic location: 1q32.2.
Variant type: single nucleotide variant.
Coding change: c.1886G>A on transcript NM_000228.3 (MANE Select); coding-DNA position 1886, G replaced by A.
Protein change: p.Ser629Asn; replaces serine 629 with asparagine.
Molecular consequence: missense variant.
Genome position (GRCh38, 1-based): chr1:209,625,738, C>T on the plus strand (G>A on the coding strand, the complement: LAMB3 is on the minus strand). VCF-style: chr1-209625738-C-T. GRCh37 (hg19) VCF-style: chr1-209799083-C-T.
Other names: c.1886G>A, p.Ser629Asn (NM_001017402.2, NM_001127641.1); short protein forms S629N.
Identifiers: ClinVar variation 2177966 (VCV002177966.2), dbSNP rs1436450941, ClinGen allele CA344589204.

ClinVar aggregate classification (germline): Uncertain significance (1 of 4 stars; one submission).

Allele frequency attached by ClinVar (database versions not stated): gnomAD exomes below 0.00001.
gnomAD v4.1: 7 of 1,614,070 alleles (0.00043%); highest among the groups gnomAD compares: Non-Finnish European, 0.00059%; no homozygotes.

Submission:

Labcorp Genetics (formerly Invitae), Labcorp
Classification: Uncertain significance. Last evaluated: 2022-07-19. Review status: criteria provided, single submitter. Criteria: Invitae Variant Classification Sherloc (09022015). Collection method: clinical testing. Allele origin: germline.
Comment: In summary, the available evidence is currently insufficient to determine the role of this variant in disease. Therefore, it has been classified as a Variant of Uncertain Significance. Algorithms developed to predict the effect of missense changes on protein structure and function output the following: SIFT: "Tolerated"; PolyPhen-2: "Benign"; Align-GVGD: "Class C0". The asparagine amino acid residue is found in multiple mammalian species, which suggests that this missense change does not adversely affect protein function. This variant has not been reported in the literature in individuals affected with LAMB3-related conditions. This variant is present in population databases (no rsID available, gnomAD 0.007%). This sequence change replaces serine, which is neutral and polar, with asparagine, which is neutral and polar, at codon 629 of the LAMB3 protein (p.Ser629Asn).